The following is an entry in ClinVar:

NM_014797.3(ZBTB24):c.1480G>A (p.Glu494Lys)

Gene: ZBTB24 (zinc finger and BTB domain containing 24; minus strand). Cytogenetic location: 6q21.
Variant type: single nucleotide variant.
Coding change: c.1480G>A on transcript NM_014797.3 (MANE Select); coding-DNA position 1480, G replaced by A.
Protein change: p.Glu494Lys; replaces glutamic acid 494 with lysine.
Molecular consequence: missense variant.
Genome position (GRCh38, 1-based): chr6:109,466,465, C>T on the plus strand (G>A on the coding strand, the complement: ZBTB24 is on the minus strand). VCF-style: chr6-109466465-C-T. GRCh37 (hg19) VCF-style: chr6-109787668-C-T.
Other names: short protein forms E494K.
Identifiers: ClinVar variation 1896463 (VCV001896463.2), dbSNP rs1333976942, ClinGen allele CA365196642.

ClinVar aggregate classification (germline): Uncertain significance (1 of 4 stars; one submission).

Conditions:
Immunodeficiency-centromeric instability-facial anomalies syndrome 2 (ICF2). Identifiers: Orphanet 2268, MedGen C3279748, MONDO:0013553, OMIM 614069.

Allele frequency attached by ClinVar (database versions not stated): TOPMed below 0.00001.
gnomAD v4.1: 3 of 1,614,194 alleles (0.00019%); highest among the groups gnomAD compares: Non-Finnish European, 0.00025%; no homozygotes.

Submission:

Labcorp Genetics (formerly Invitae), Labcorp
Classification: Uncertain significance for Immunodeficiency-centromeric instability-facial anomalies syndrome 2. Last evaluated: 2022-07-30. Review status: criteria provided, single submitter. Criteria: Invitae Variant Classification Sherloc (09022015). Collection method: clinical testing. Allele origin: germline.
Comment: This sequence change replaces glutamic acid, which is acidic and polar, with lysine, which is basic and polar, at codon 494 of the ZBTB24 protein (p.Glu494Lys). This variant is present in population databases (no rsID available, gnomAD 0.0009%). This variant has not been reported in the literature in individuals affected with ZBTB24-related conditions. Algorithms developed to predict the effect of missense changes on protein structure and function are either unavailable or do not agree on the potential impact of this missense change (SIFT: "Not Available"; PolyPhen-2: "Possibly Damaging"; Align-GVGD: "Not Available"). In summary, the available evidence is currently insufficient to determine the role of this variant in disease. Therefore, it has been classified as a Variant of Uncertain Significance.